The following is an entry in ClinVar:

NM_000091.5(COL4A3):c.3751+9T>A

Genes: COL4A3 (collagen type IV alpha 3 chain; plus strand), MFF-DT (MFF divergent transcript; minus strand). Cytogenetic location: 2q36.3.
Variant type: single nucleotide variant.
Coding change: c.3751+9T>A on transcript NM_000091.5 (MANE Select); 9 bases into the intron after coding-DNA position 3751, T replaced by A.
Molecular consequence: intron variant.
Genome position (GRCh38, 1-based): chr2:227,297,868, T>A. VCF-style: chr2-227297868-T-A. GRCh37 (hg19) VCF-style: chr2-228162584-T-A.
Identifiers: ClinVar variation 5002442 (VCV005002442.1).

ClinVar aggregate classification (germline): Likely benign (1 of 4 stars; one submission).

Conditions:
COL4A3-related disorder. Also called: COL4A3-Related Disorders; COL4A3-related condition.

gnomAD v4.1: 1 of 1,553,474 alleles (0.000064%); highest among the groups gnomAD compares: Admixed American, 0.002%; no homozygotes.

Submission:

PreventionGenetics, part of Exact Sciences
Classification: Likely benign for COL4A3-related condition. Last evaluated: 2025-03-17. Review status: criteria provided, single submitter. Criteria: ACMG Guidelines, 2015. Collection method: clinical testing. Allele origin: germline.
Comment: This variant is classified as likely benign based on ACMG/AMP sequence variant interpretation guidelines (Richards et al. 2015 PMID: 25741868, with internal and published modifications).